The following is an entry in ClinVar:

ClinVar aggregate classification (germline): Uncertain significance (1 of 4 stars; one submission).

Conditions:
Spastic paraplegia. Identifiers: MedGen C0037772, HP:0001258.

gnomAD v4.1: 2 of 1,614,022 alleles (0.00012%); highest among the groups gnomAD compares: East Asian, 0.0022%; no homozygotes.

Submission:

Labcorp Genetics (formerly Invitae), Labcorp
Classification: Uncertain significance for Spastic paraplegia. Last evaluated: 2024-08-14. Review status: criteria provided, single submitter. Criteria: Invitae Variant Classification Sherloc (09022015). Collection method: clinical testing. Allele origin: germline.
Comment: This sequence change replaces arginine, which is basic and polar, with glutamine, which is neutral and polar, at codon 588 of the KIF5A protein (p.Arg588Gln). This variant is present in population databases (rs768069998, gnomAD 0.003%). This missense change has been observed in individual(s) with amyotrophic lateral sclerosis (PMID: 32888732). Invitae Evidence Modeling of protein sequence and biophysical properties (such as structural, functional, and spatial information, amino acid conservation, physicochemical variation, residue mobility, and thermodynamic stability) has been performed for this missense variant. However, the output from this modeling did not meet the statistical confidence thresholds required to predict the impact of this variant on KIF5A protein function. In summary, the available evidence is currently insufficient to determine the role of this variant in disease. Therefore, it has been classified as a Variant of Uncertain Significance.

Literature cited by the submitters: PubMed 32888732.

NM_004984.4(KIF5A):c.1763G>A (p.Arg588Gln)

Gene: KIF5A (kinesin family member 5A; plus strand). Cytogenetic location: 12q13.3.
Variant type: single nucleotide variant.
Coding change: c.1763G>A on transcript NM_004984.4 (MANE Select); coding-DNA position 1763, G replaced by A.
Protein change: p.Arg588Gln; replaces arginine 588 with glutamine.
Molecular consequence: missense variant.
Genome position (GRCh38, 1-based): chr12:57,575,130, G>A. VCF-style: chr12-57575130-G-A. GRCh37 (hg19) VCF-style: chr12-57968913-G-A.
Other names: c.1496G>A, p.Arg499Gln (NM_001354705.2); short protein forms R499Q, R588Q.
Identifiers: ClinVar variation 3705373 (VCV003705373.2).